The following is an entry in ClinVar:

ClinVar aggregate classification (germline): Uncertain significance (1 of 4 stars; one submission).

gnomAD v4.1: 1 of 1,613,954 alleles (0.000062%); highest among the groups gnomAD compares: Non-Finnish European, 0.000085%; no homozygotes.

Submission:

GeneDx
Classification: Uncertain significance. Last evaluated: 2026-03-07. Review status: criteria provided, single submitter. Criteria: GeneDx Variant Classification Process June 2021. Collection method: clinical testing. Allele origin: germline.
Comment: Not observed at significant frequency in large population cohorts (gnomAD); In silico analysis suggests that this missense variant does not alter protein structure/function; Has not been previously published as pathogenic or benign to our knowledge

NM_001080517.3(SETD5):c.2943C>G (p.Phe981Leu)

Gene: SETD5 (SET domain containing 5; plus strand). Cytogenetic location: 3p25.3.
Variant type: single nucleotide variant.
Coding change: c.2943C>G on transcript NM_001080517.3 (MANE Select); coding-DNA position 2943, C replaced by G.
Protein change: p.Phe981Leu; replaces phenylalanine 981 with leucine.
Molecular consequence: missense variant.
Genome position (GRCh38, 1-based): chr3:9,470,677, C>G. VCF-style: chr3-9470677-C-G. GRCh37 (hg19) VCF-style: chr3-9512361-C-G.
Other names: c.2649C>G, p.Phe883Leu (NM_001292043.2, NM_001349451.2); c.3039C>G, p.Phe1013Leu (NM_001437633.1); c.3057C>G, p.Phe1019Leu (NM_001437635.1); c.3000C>G, p.Phe1000Leu (NM_001437643.1); c.2982C>G, p.Phe994Leu (NM_001437701.1); short protein forms F1000L, F981L, F994L, F1019L, F883L, F1013L.
Identifiers: ClinVar variation 5008790 (VCV005008790.1).
Genomic context (GRCh38, chr3:9,470,677, plus strand): 5'-AAGTGGAGATGGACATCAGACCCTCGTGAGAAACTCAGACCAGGCATTTCGGACAGAGTT[C>G]AACTTGATGTATGCCTACTCCCCTTTGAATGCTATGCCTCGAGCAGATGGACTGTATCGA-3'
Protein context (NP_001073986.1, residues 971-991): RNSDQAFRTE[Phe981Leu]NLMYAYSPLN